The following is an entry in ClinVar:

NM_007118.4(TRIO):c.3775C>A (p.Leu1259Ile)

Gene: TRIO (trio Rho guanine nucleotide exchange factor; plus strand). Cytogenetic location: 5p15.2.
Variant type: single nucleotide variant.
Coding change: c.3775C>A on transcript NM_007118.4 (MANE Select); coding-DNA position 3775, C replaced by A.
Protein change: p.Leu1259Ile; replaces leucine 1259 with isoleucine.
Molecular consequence: missense variant. On other transcripts: non-coding transcript variant (1).
Genome position (GRCh38, 1-based): chr5:14,387,741, C>A. VCF-style: chr5-14387741-C-A. GRCh37 (hg19) VCF-style: chr5-14387850-C-A.
Other names: short protein forms L1259I.
Identifiers: ClinVar variation 4881031 (VCV004881031.2).

ClinVar aggregate classification (germline): Uncertain significance (1 of 4 stars; one submission).

Conditions:
Intellectual developmental disorder, autosomal dominant 63, with macrocephaly. Also called: MENTAL RETARDATION, AUTOSOMAL DOMINANT 63, WITH MACROCEPHALY. Identifiers: MedGen C5394205, MONDO:0032939, OMIM 618825.

Submission:

Dasa
Classification: Uncertain significance for Intellectual developmental disorder, autosomal dominant 63, with macrocephaly. Last evaluated: 2025-10-27. Review status: criteria provided, single submitter. Criteria: DASA Assertion Criteria. Collection method: clinical testing. Allele origin: germline.
Comment: NM_007118.4(TRIO):c.3775C>A (p.Leu1259Ile) is a missense variant that results in the substitution of leucine with isoleucine. This variant is rare in population databases. Computational prediction algorithms are consistent with a benign effect. The currently available literature and clinical evidence are not sufficient to establish a definitive association between this variant and the reported condition. Therefore, this variant is classified as a variant of uncertain significance.